The following is an entry in ClinVar:

ClinVar aggregate classification (germline): Uncertain significance. Review status: criteria provided, multiple submitters, no conflicts (2 of 4 stars). 2 submissions from 2 submitters: Uncertain significance (2). Last evaluated 2025-09-15.

Conditions:
Polycystic liver disease 1 (PCLD1). Also called: Polycystic liver disease 1 with or without kidney cysts. Identifiers: Orphanet 2924, MedGen C0887850, MONDO:0008265, OMIM 174050.

Allele frequency attached by ClinVar (database versions not stated): gnomAD 0.00001; TOPMed 0.00001; ExAC 0.00004; gnomAD exomes 0.00001.
gnomAD v4.1: 20 of 1,613,380 alleles (0.0012%); highest among the groups gnomAD compares: Middle Eastern, 0.016%; no homozygotes.

Submissions (2):

Labcorp Genetics (formerly Invitae), Labcorp
Classification: Uncertain significance. Last evaluated: 2025-09-15. Review status: criteria provided, single submitter. Criteria: Invitae Variant Classification Sherloc (09022015). Collection method: clinical testing. Allele origin: germline.
Comment: This sequence change falls in intron 14 of the PRKCSH gene. It does not directly change the encoded amino acid sequence of the PRKCSH protein. It affects a nucleotide within the consensus splice site. This variant is present in population databases (rs776379869, gnomAD 0.004%). This variant has not been reported in the literature in individuals affected with PRKCSH-related conditions. ClinVar contains an entry for this variant (Variation ID: 2722309). Variants that disrupt the consensus splice site are a relatively common cause of aberrant splicing (PMID: 17576681, 9536098). Algorithms developed to predict the effect of sequence changes on RNA splicing suggest that this variant may disrupt the consensus splice site. In summary, the available evidence is currently insufficient to determine the role of this variant in disease. Therefore, it has been classified as a Variant of Uncertain Significance.

Fulgent Genetics
Classification: Uncertain significance for Polycystic liver disease 1. Last evaluated: 2024-04-22. Review status: criteria provided, single submitter. Criteria: ACMG Guidelines, 2015. Collection method: clinical testing. Allele origin: germline.

Literature cited by the submitters: PubMed 17576681 (cited by Labcorp Genetics (formerly Invitae), Labcorp); PubMed 9536098 (cited by Labcorp Genetics (formerly Invitae), Labcorp).

NM_001289104.2(PRKCSH):c.1286+4C>T

Gene: PRKCSH (PRKCSH beta subunit of glucosidase II; plus strand). Cytogenetic location: 19p13.2.
Variant type: single nucleotide variant.
Coding change: c.1286+4C>T on transcript NM_001289104.2 (MANE Select); 4 bases into the intron after coding-DNA position 1286, C replaced by T.
Molecular consequence: intron variant.
Genome position (GRCh38, 1-based): chr19:11,448,633, C>T. VCF-style: chr19-11448633-C-T. GRCh37 (hg19) VCF-style: chr19-11559448-C-T.
Other names: c.1286+4C>T (NM_001289103.2); c.1256+4C>T (NM_001379609.1, NM_001001329.3, NM_001289102.2); c.1265+4C>T (NM_001379608.1, NM_002743.3).
Identifiers: ClinVar variation 2722309 (VCV002722309.4), dbSNP rs776379869, ClinGen allele CA9213227.
Genomic context (GRCh38, chr19:11,448,633, plus strand): 5'-CCCCAACGGGGAGTTTGCTTACCTGTACAGCCAGTGCTACGAGCTCACCACCAACGAGTG[C>T]GTCCCAGGAATGCAGGGGCCCCCACTGGCAGGGTGGGAGGCGGGTGGCCCCGGAAGTGGC-3'